The following is an entry in ClinVar:

ClinVar aggregate classification (germline): Pathogenic/Likely pathogenic. Review status: criteria provided, multiple submitters, no conflicts (2 of 4 stars). 2 submissions from 2 submitters: Pathogenic (1); Likely pathogenic (1). Last evaluated 2025-09-11.

Conditions:
Alport syndrome. Also called: Hemorrhagic familial nephritis; Hemorrhagic hereditary nephritis; Congenital hereditary hematuria. Identifiers: Orphanet 63, MedGen C1567741, MONDO:0018965.
Autosomal recessive Alport syndrome (ATS2). Also called: Alport syndrome type 2; COL4A3-Related Nephropathy; COL4A4 Alport Syndrome and Thin Basement Membrane Nephropathy; ALPORT SYNDROME 2, AUTOSOMAL RECESSIVE. Identifiers: Orphanet 63, Orphanet 88919, MedGen C4746745, MONDO:0008762, OMIM 203780.
Hematuria, benign familial, 1 (BFH1). Also called: THIN MEMBRANE NEPHROPATHY. Identifiers: MedGen CN376803, MONDO:0007709, OMIM 141200.

Submissions (2):

Natera, Inc.
Classification: Likely pathogenic for Alport syndrome. Last evaluated: 2025-09-11. Review status: criteria provided, single submitter. Criteria: Natera Variant Classification Schema (03/2026). Collection method: clinical testing. Allele origin: germline.
Comment: The c.1352G>A variant in COL4A4 is a missense variant predicted to cause substitution of glycine to aspartic acid at amino acid 451. This variant is rare in the general population with a frequency below the threshold expected for the associated phenotype(s). This variant is located in a functionally critical region of the protein. Computational prediction algorithms indicate this variant is likely to affect gene or protein function. Given the available evidence, this variant is classified as Likely Pathogenic.

Fulgent Genetics
Classification: Pathogenic for Hematuria, benign familial, 1; Autosomal recessive Alport syndrome. Last evaluated: 2024-03-12. Review status: criteria provided, single submitter. Criteria: ACMG Guidelines, 2015. Collection method: clinical testing. Allele origin: germline.

NM_000092.5(COL4A4):c.1352G>A (p.Gly451Asp)

Gene: COL4A4 (collagen type IV alpha 4 chain; minus strand). Cytogenetic location: 2q36.3.
Variant type: single nucleotide variant.
Coding change: c.1352G>A on transcript NM_000092.5 (MANE Select); coding-DNA position 1352, G replaced by A.
Protein change: p.Gly451Asp; replaces glycine 451 with aspartic acid.
Molecular consequence: missense variant.
Genome position (GRCh38, 1-based): chr2:227,094,142, C>T on the plus strand (G>A on the coding strand, the complement: COL4A4 is on the minus strand). VCF-style: chr2-227094142-C-T. GRCh37 (hg19) VCF-style: chr2-227958858-C-T.
Other names: short protein forms G451D.
Identifiers: ClinVar variation 3585886 (VCV003585886.2).
Genomic context (GRCh38, chr2:227,094,142, plus strand): 5'-AAGCAGCATAAATGCTAATGGATATGAATAAGGAGTACTTTACCACTTGATCCTGGGAGG[C>T]CCTGCAGGCCTGGTGCTCCAGGCAAGCCAGGTGATCCTGGCTTCCCTGGTTTTCCTGGAG-3'
Protein context (NP_000083.3, residues 441-461): PGLPGAPGLQ[Gly451Asp]LPGSSVIYCS